The following is an entry in ClinVar:

NM_001364905.1(LRBA):c.6194-2A>G

Gene: LRBA (LPS responsive beige-like anchor protein; minus strand). Cytogenetic location: 4q31.3.
Variant type: single nucleotide variant.
Coding change: c.6194-2A>G on transcript NM_001364905.1 (MANE Select); the canonical splice acceptor site of the intron before coding-DNA position 6194, A replaced by G.
Molecular consequence: splice acceptor variant.
Genome position (GRCh38, 1-based): chr4:150,588,186, T>C on the plus strand (A>G on the coding strand, the complement: LRBA is on the minus strand). VCF-style: chr4-150588186-T-C. GRCh37 (hg19) VCF-style: chr4-151509338-T-C.
Other names: c.6194-2A>G (NM_001367550.1, NM_001199282.3, NM_001440431.1); c.6227-2A>G (NM_006726.5, NM_001440430.1).
Identifiers: ClinVar variation 2862836 (VCV002862836.3), dbSNP rs1404249010, ClinGen allele CA358605115.

ClinVar aggregate classification (germline): Likely pathogenic (1 of 4 stars; one submission).

Conditions:
Combined immunodeficiency due to LRBA deficiency. Also called: Common variable immunodeficiency 8, with autoimmunity. Identifiers: Orphanet 445018, MedGen C3553512, MONDO:0013863, OMIM 614700.

Submission:

Labcorp Genetics (formerly Invitae), Labcorp
Classification: Likely pathogenic for Combined immunodeficiency due to LRBA deficiency. Last evaluated: 2023-05-09. Review status: criteria provided, single submitter. Criteria: Invitae Variant Classification Sherloc (09022015). Collection method: clinical testing. Allele origin: germline.
Comment: In summary, the currently available evidence indicates that the variant is pathogenic, but additional data are needed to prove that conclusively. Therefore, this variant has been classified as Likely Pathogenic. Algorithms developed to predict the effect of sequence changes on RNA splicing suggest that this variant may disrupt the consensus splice site. This variant has not been reported in the literature in individuals affected with LRBA-related conditions. This variant is not present in population databases (gnomAD no frequency). This sequence change affects an acceptor splice site in intron 40 of the LRBA gene. It is expected to disrupt RNA splicing. Variants that disrupt the donor or acceptor splice site typically lead to a loss of protein function (PMID: 16199547), and loss-of-function variants in LRBA are known to be pathogenic (PMID: 26206937, 26768763).

Literature cited by the submitters: PubMed 16199547; PubMed 26206937; PubMed 26768763.